The following is an entry in ClinVar:

ClinVar aggregate classification (germline): Uncertain significance (1 of 4 stars; one submission).

Allele frequency attached by ClinVar (database versions not stated): gnomAD exomes below 0.00001 and 0.00001; ExAC 0.00002; gnomAD 0.00004; TOPMed 0.00004; ESP Exome Variant Server 0.00015.
gnomAD v4.1: 7 of 1,613,320 alleles (0.00043%); highest among the groups gnomAD compares: African/African-American, 0.0094%; no homozygotes.

Submission:

Labcorp Genetics (formerly Invitae), Labcorp
Classification: Uncertain significance. Last evaluated: 2021-08-11. Review status: criteria provided, single submitter. Criteria: Invitae Variant Classification Sherloc (09022015). Collection method: clinical testing. Allele origin: germline.
Comment: This sequence change replaces serine with phenylalanine at codon 296 of the STIL protein (p.Ser296Phe). The serine residue is moderately conserved and there is a large physicochemical difference between serine and phenylalanine. This variant is present in population databases (rs140282820, ExAC 0.03%). This variant has not been reported in the literature in individuals affected with STIL-related conditions. Algorithms developed to predict the effect of missense changes on protein structure and function are either unavailable or do not agree on the potential impact of this missense change (SIFT: "Deleterious"; PolyPhen-2: "Probably Damaging"; Align-GVGD: "Class C0"). In summary, the available evidence is currently insufficient to determine the role of this variant in disease. Therefore, it has been classified as a Variant of Uncertain Significance.

NM_001048166.1(STIL):c.887C>T (p.Ser296Phe)

Gene: STIL (STIL centriolar assembly protein; minus strand). Cytogenetic location: 1p33.
Variant type: single nucleotide variant.
Coding change: c.887C>T on transcript NM_001048166.1 (MANE Select); coding-DNA position 887, C replaced by T.
Protein change: p.Ser296Phe; replaces serine 296 with phenylalanine.
Molecular consequence: missense variant.
Genome position (GRCh38, 1-based): chr1:47,289,571, G>A on the plus strand (C>T on the coding strand, the complement: STIL is on the minus strand). VCF-style: chr1-47289571-G-A. GRCh37 (hg19) VCF-style: chr1-47755243-G-A.
Other names: c.887C>T, p.Ser296Phe (NM_001282936.1, NM_001282937.1, NM_003035.2); c.746C>T, p.Ser249Phe (NM_001282938.1, NM_001282939.1, NM_001377417.1); short protein forms S249F, S296F.
Identifiers: ClinVar variation 1470347 (VCV001470347.6), dbSNP rs140282820, ClinGen allele CA842483.